The following is an entry in ClinVar:

ClinVar aggregate classification (germline): Pathogenic (1 of 4 stars; one submission).

Conditions:
Cohen syndrome (COH1). Also called: Cutis verticis gyrata, retinitis pigmentosa, and sensorineural deafness; PEPPER SYNDROME. Identifiers: Orphanet 193, MedGen C0265223, MONDO:0008999, OMIM 216550.

Submission:

Myriad Genetics, Inc.
Classification: Pathogenic for Cohen syndrome. Last evaluated: 2026-03-26. Review status: criteria provided, single submitter. Criteria: Myriad Autosomal Dominant, Autosomal Recessive and X-Linked Classification Criteria (2023). Collection method: clinical testing. Allele origin: unknown.
Comment: NM_017890.4(VPS13B):c.963delT(D321Efs*37) is a frameshift variant classified as pathogenic in the context of Cohen syndrome. D321Efs*37 has not been observed in cases with relevant disease. Relevant functional assessments of this variant are not available in the literature. D321Efs*37 has not been observed in referenced population frequency databases. In summary, NM_017890.4(VPS13B):c.963delT(D321Efs*37) is a frameshift variant in a gene where loss of function is a known mechanism of disease and is predicted to disrupt protein function. Please note: this variant was assessed in the context of healthy population screening.

NM_152564.5(VPS13B):c.963del (p.Asp321fs)

Gene: VPS13B (vacuolar protein sorting 13 homolog B; plus strand). Cytogenetic location: 8q22.2.
Variant type: Deletion.
Coding change: c.963del on transcript NM_152564.5 (MANE Select); coding-DNA position 963, one base deleted (T; older notation c.963delT).
Protein change: p.Asp321fs; shifts the reading frame from aspartic acid 321.
Molecular consequence: frameshift variant. On other transcripts: non-coding transcript variant (1).
Genome position (GRCh38, 1-based): chr8:99,121,202, T deleted. VCF-style (leftmost placement, unchanged base first): chr8-99121201-AT-A. GRCh37 (hg19) VCF-style: chr8-100133429-AT-A.
Other names: c.963del, p.Asp321fs (NM_015243.3, NM_017890.5, NM_181661.3); short protein forms D321fs.
Identifiers: ClinVar variation 5003988 (VCV005003988.1).
Genomic context (GRCh38, chr8:99,121,201, plus strand): 5'-TTGACTTATTTAAAATGACTTAATTTTAATTGATAGGTTCTGAAGATGAAACAAGAATAG[AT>A]ATGCAATATCCTGCTCAGCATAAAGGTCAAGAGTTATATTCACAGCAAGATGAGGAGCAG-3'